The following is an entry in ClinVar:

NM_000179.3(MSH6):c.3756_3769del (p.Leu1252fs)

Gene: MSH6 (mutS homolog 6; plus strand). Cytogenetic location: 2p16.3.
Variant type: Deletion.
Coding change: c.3756_3769del on transcript NM_000179.3 (MANE Select); coding-DNA positions 3756 to 3769, 14 bases deleted (AGTAGAAGATTATT).
Protein change: p.Leu1252fs; shifts the reading frame from leucine 1252.
Molecular consequence: frameshift variant. On other transcripts: non-coding transcript variant (5).
Genome position (GRCh38, 1-based): chr2:47,806,313-47,806,326, AGTAGAAGATTATT deleted; deleting any 14 consecutive bases within chr2:47,806,310-47,806,326 gives the same sequence; the c. name uses the placement nearest the transcript's 3' end. VCF-style (leftmost placement, unchanged base first): chr2-47806309-CATTAGTAGAAGATT-C. GRCh37 (hg19) VCF-style: chr2-48033448-CATTAGTAGAAGATT-C.
Other names: c.3459_3472del, p.Leu1153fs (NM_001406821.1, NM_001406822.1, NM_001406824.1 and 10 more transcripts); c.2850_2863del, p.Leu950fs (NM_001406823.1, NM_001406829.1, NM_001281493.2 and 6 more transcripts); c.3588_3601del, p.Leu1196fs (NM_001406826.1); c.537_550del, p.Leu179fs (NM_001406831.1); c.603_616del, p.Leu201fs (NM_001406832.1); c.3366_3379del, p.Leu1122fs (NM_001281492.2); c.3852_3865del, p.Leu1284fs (NM_001406795.1, NM_001406802.1); c.3756_3769del, p.Leu1252fs (NM_001406796.1, NM_001406800.1, NM_001406808.1 and 1 more transcripts); and 8 more; short protein forms L1194fs, L1196fs, L1254fs, L1284fs, L950fs, L964fs, L1077fs, L201fs.
Identifiers: ClinVar variation 3875066 (VCV003875066.1).

ClinVar aggregate classification (germline): Pathogenic (1 of 4 stars; one submission).

Conditions:
Hereditary cancer-predisposing syndrome. Also called: Tumor predisposition; Neoplastic Syndromes, Hereditary; Hereditary Cancer Syndrome; Hereditary neoplastic syndrome. Identifiers: Orphanet 140162, MedGen C0027672, MeSH D009386, MONDO:0015356.

Submission:

Ambry Genetics
Classification: Pathogenic for Hereditary cancer-predisposing syndrome. Last evaluated: 2025-01-19. Review status: criteria provided, single submitter. Criteria: Ambry Variant Classification Scheme 2023. Collection method: clinical testing. Allele origin: germline.
Comment: The c.3756_3769del14 pathogenic mutation, located in coding exon 8 of the MSH6 gene, results from a deletion of 14 nucleotides at nucleotide positions 3756 to 3769, causing a translational frameshift with a predicted alternate stop codon (p.L1252Ffs*18). This alteration is expected to result in loss of function by premature protein truncation or nonsense-mediated mRNA decay. This variant is considered to be rare based on population cohorts in the Genome Aggregation Database (gnomAD). As such, this alteration is interpreted as a disease-causing mutation.